The following is an entry in ClinVar:

ClinVar aggregate classification (germline): Uncertain significance (1 of 4 stars; one submission).

Conditions:
Hereditary cancer-predisposing syndrome. Also called: Hereditary neoplastic syndrome; Hereditary Cancer Syndrome; Neoplastic Syndromes, Hereditary; Tumor predisposition. Identifiers: Orphanet 140162, MedGen C0027672, MeSH D009386, MONDO:0015356.

Submission:

Ambry Genetics
Classification: Uncertain significance for Hereditary cancer-predisposing syndrome. Last evaluated: 2023-05-09. Review status: criteria provided, single submitter. Criteria: Ambry Variant Classification Scheme 2023. Collection method: clinical testing. Allele origin: germline.
Comment: The p.R2538I variant (also known as c.7613G>T), located in coding exon 15 of the APC gene, results from a G to T substitution at nucleotide position 7613. The arginine at codon 2538 is replaced by isoleucine, an amino acid with similar properties. This amino acid position is conserved. In addition, in silico predictors for this gene do not accurately predict pathogenicity. Since supporting evidence is limited at this time, the clinical significance of this alteration remains unclear.

NM_000038.6(APC):c.7613G>T (p.Arg2538Ile)

Gene: APC (APC regulator of Wnt signaling pathway; plus strand). Cytogenetic location: 5q22.2.
Variant type: single nucleotide variant.
Coding change: c.7613G>T on transcript NM_000038.6 (MANE Select); coding-DNA position 7613, G replaced by T.
Protein change: p.Arg2538Ile; replaces arginine 2538 with isoleucine.
Molecular consequence: missense variant. On other transcripts: non-coding transcript variant (2).
Genome position (GRCh38, 1-based): chr5:112,843,207, G>T. VCF-style: chr5-112843207-G-T. GRCh37 (hg19) VCF-style: chr5-112178904-G-T.
Other names: c.7613G>T, p.Arg2538Ile (NM_001127510.3, NM_001354895.2, NM_001407450.1); c.7559G>T, p.Arg2520Ile (NM_001127511.3); c.7667G>T, p.Arg2556Ile (NM_001354896.2, NM_001407447.1, NM_001407448.1 and 1 more transcripts); c.7643G>T, p.Arg2548Ile (NM_001354897.2); c.7538G>T, p.Arg2513Ile (NM_001354898.2); c.7529G>T, p.Arg2510Ile (NM_001354899.2); c.7490G>T, p.Arg2497Ile (NM_001354900.2); c.7436G>T, p.Arg2479Ile (NM_001354901.2, NM_001407453.1); and 11 more; short protein forms R2510I, R2520I, R2538I, R2556I, R2154I, R2497I, R2566I, R2255I.
Identifiers: ClinVar variation 2567033 (VCV002567033.2), dbSNP rs2149990579, ClinGen allele CA16037870.